The following is an entry in ClinVar:

ClinVar aggregate classification (germline): Pathogenic. Review status: criteria provided, single submitter (1 of 4 stars). 2 submissions from 2 submitters: Pathogenic (1). 1 of the submissions does not count toward it. Last evaluated 2025-08-10.

Conditions:
Epidermolysis bullosa simplex 1D, generalized, intermediate or severe, autosomal recessive. Identifiers: Orphanet 89838, MedGen C3715082, MONDO:0010976, OMIM 601001.
Epidermolysis bullosa simplex, Koebner type. Identifiers: Orphanet 79399, MedGen C5561924, MONDO:0007554, OMIM 131900.
Epidermolysis bullosa simplex 1C, localized. Also called: EBS, ACRAL FORM; EPIDERMOLYSIS BULLOSA OF HANDS AND FEET; Localized epidermolysis bullosa simplex; Epidermolysis Bullosa Simplex, Weber-Cockayne Type; Weber-Cockayne Syndrome. Identifiers: Orphanet 79400, MedGen C0080333, MONDO:0007551, OMIM 131800.
Epidermolysis bullosa simplex 1A, generalized severe (EBS1A). Also called: Epidermolysis bullosa simplex Dowling-Meara type. Identifiers: Orphanet 79396, MedGen C0079295, MONDO:0007550, OMIM 131760.

Submissions (2):

Clinical Genomics Laboratory, Washington University in St. Louis
Classification: Pathogenic for Epidermolysis bullosa simplex 1A, generalized severe; Epidermolysis bullosa simplex, Koebner type; Epidermolysis bullosa simplex 1C, localized; Epidermolysis bullosa simplex 1D, generalized, intermediate or severe, autosomal recessive. Last evaluated: 2025-08-10. Review status: criteria provided, single submitter. Criteria: ACMG Guidelines, 2015. Collection method: clinical testing. Allele origin: germline. Affected: yes.
Comment: The de novo KRT14 c.374G>C (p.Arg125Pro) variant, to our knowledge, has not been reported in the medical literature. This variant has been reported in the ClinVar database as a germline variant of uncertain significance by one submitter. This variant is absent from the general population (gnomAD v.4.1.0), indicating it is not a common variant. This variant resides in the helix initiation motif of the 1A domain, important for proper keratin intermediate filament assembly and function (Chamcheu JC et al., PMID: 21176769). Computational predictors indicate that the variant is damaging, evidence that correlates with impact to KRT14 function. Other variants in the same codon (Arg125Cys, Arg125His, and Arg125Leu) have been reported in patients with Dowling-Meara EBS and generalized blistering at birth, with functional evidence of keratin misfolding in EBS cell models (Loffek S et al., PMID: 20151404; Lugassy J et al., PMID: 16960809, Variation ID: 14612; Couloube PA et al., PMID: 1717157; Pfendner EG et al., PMID: 16098032, Variation ID: 14613; Zevallos-Morales A et al., PMID: 19854623; Zhang J et al., PMID: 31772641, Variation ID: 66349, respectively). Based on available information and the ACMG/AMP guidelines for variant interpretation (Richards S et al., PMID: 25741868), this variant is classified as pathogenic.

Epithelial Biology;  Institute of Medical Biology, Singapore
No classification provided. Review status: no classification provided. Collection method: not provided. Allele origin: not provided. Not counted in ClinVar's aggregate classification.

NM_000526.5(KRT14):c.374G>C (p.Arg125Pro)

Gene: KRT14 (keratin 14; minus strand). Cytogenetic location: 17q21.2.
Variant type: single nucleotide variant.
Coding change: c.374G>C on transcript NM_000526.5 (MANE Select); coding-DNA position 374, G replaced by C.
Protein change: p.Arg125Pro; replaces arginine 125 with proline.
Molecular consequence: missense variant.
Genome position (GRCh38, 1-based): chr17:41,586,461, C>G on the plus strand (G>C on the coding strand, the complement: KRT14 is on the minus strand). VCF-style: chr17-41586461-C-G. GRCh37 (hg19) VCF-style: chr17-39742713-C-G.
Other names: short protein forms R125P.
Identifiers: ClinVar variation 66348 (VCV000066348.2), dbSNP rs58330629, ClinGen allele CA216923.
Genomic context (GRCh38, chr17:41,586,461, plus strand): 5'-ACTTCCAGGTCGGCGTTGGCCTCCTCCAGAGCACGCACCTTGTCCAGGTAGGAGGCCAGG[C>G]GGTCATTGAGGTTCTGCATGGTCACCTTCTCACTGCCCACCAGAAGCCCATCACCACCAG-3'
Protein context (NP_000517.3, residues 115-135): EKVTMQNLND[Arg125Pro]LASYLDKVRA